The following is an entry in ClinVar:

ClinVar aggregate classification (germline): Uncertain significance. Review status: criteria provided, multiple submitters, no conflicts (2 of 4 stars). 2 submissions from 2 submitters: Uncertain significance (2). Last evaluated 2024-06-07.

Conditions:
Dyskeratosis congenita. Identifiers: Orphanet 1775, MedGen C0265965, MONDO:0015780.
Cerebroretinal microangiopathy with calcifications and cysts 1 (CRMCC1). Identifiers: Orphanet 313838, MedGen C4552029, MONDO:0024564, OMIM 612199.

Allele frequency attached by ClinVar (database versions not stated): gnomAD exomes 0.00003; TOPMed 0.00003; ExAC 0.00004; gnomAD 0.00006.

Submissions (2):

Fulgent Genetics
Classification: Uncertain significance for Cerebroretinal microangiopathy with calcifications and cysts 1. Last evaluated: 2024-06-07. Review status: criteria provided, single submitter. Criteria: ACMG Guidelines, 2015. Collection method: clinical testing. Allele origin: germline.

Labcorp Genetics (formerly Invitae), Labcorp
Classification: Uncertain significance for Dyskeratosis congenita. Last evaluated: 2022-09-27. Review status: criteria provided, single submitter. Criteria: Invitae Variant Classification Sherloc (09022015). Collection method: clinical testing. Allele origin: germline.
Comment: This sequence change replaces arginine, which is basic and polar, with histidine, which is basic and polar, at codon 295 of the CTC1 protein (p.Arg295His). This variant is present in population databases (rs763386935, gnomAD 0.009%). This variant has not been reported in the literature in individuals affected with CTC1-related conditions. ClinVar contains an entry for this variant (Variation ID: 1372246). Advanced modeling of protein sequence and biophysical properties (such as structural, functional, and spatial information, amino acid conservation, physicochemical variation, residue mobility, and thermodynamic stability) performed at Invitae indicates that this missense variant is not expected to disrupt CTC1 protein function. In summary, the available evidence is currently insufficient to determine the role of this variant in disease. Therefore, it has been classified as a Variant of Uncertain Significance.

NM_025099.6(CTC1):c.884G>A (p.Arg295His)

Gene: CTC1 (CST telomere replication complex component 1; minus strand). Cytogenetic location: 17p13.1.
Variant type: single nucleotide variant.
Coding change: c.884G>A on transcript NM_025099.6 (MANE Select); coding-DNA position 884, G replaced by A.
Protein change: p.Arg295His; replaces arginine 295 with histidine.
Molecular consequence: missense variant. On other transcripts: non-coding transcript variant (1).
Genome position (GRCh38, 1-based): chr17:8,236,251, C>T on the plus strand (G>A on the coding strand, the complement: CTC1 is on the minus strand). VCF-style: chr17-8236251-C-T. GRCh37 (hg19) VCF-style: chr17-8139569-C-T.
Other names: short protein forms R295H.
Identifiers: ClinVar variation 1372246 (VCV001372246.6), dbSNP rs763386935, ClinGen allele CA8372528.